The following is an entry in ClinVar:

ClinVar aggregate classification (germline): Uncertain significance (1 of 4 stars; one submission).

Conditions:
Bardet-Biedl syndrome (BBS). Identifiers: Orphanet 110, MedGen C0752166, MONDO:0015229.

Allele frequency attached by ClinVar (database versions not stated): gnomAD 0.00001; ExAC 0.00002; TOPMed 0.00002.
gnomAD v4.1: 26 of 1,613,472 alleles (0.0016%); highest among the groups gnomAD compares: East Asian, 0.013%; no homozygotes.

Submission:

Labcorp Genetics (formerly Invitae), Labcorp
Classification: Uncertain significance for Bardet-Biedl syndrome. Last evaluated: 2022-05-07. Review status: criteria provided, single submitter. Criteria: Invitae Variant Classification Sherloc (09022015). Collection method: clinical testing. Allele origin: germline.
Comment: This sequence change replaces arginine, which is basic and polar, with cysteine, which is neutral and slightly polar, at codon 359 of the BBS1 protein (p.Arg359Cys). This variant is present in population databases (rs759882869, gnomAD 0.02%). This variant has not been reported in the literature in individuals affected with BBS1-related conditions. Algorithms developed to predict the effect of missense changes on protein structure and function (SIFT, PolyPhen-2, Align-GVGD) all suggest that this variant is likely to be tolerated. In summary, the available evidence is currently insufficient to determine the role of this variant in disease. Therefore, it has been classified as a Variant of Uncertain Significance.

NM_024649.5(BBS1):c.1075C>T (p.Arg359Cys)

Genes: BBS1 (Bardet-Biedl syndrome 1; plus strand), ZDHHC24 (zDHHC palmitoyltransferase 24; minus strand). Cytogenetic location: 11q13.2.
Variant type: single nucleotide variant.
Coding change: c.1075C>T on transcript NM_024649.5 (MANE Select); coding-DNA position 1075, C replaced by T.
Protein change: p.Arg359Cys; replaces arginine 359 with cysteine.
Molecular consequence: missense variant. On other transcripts: intron variant (1).
Genome position (GRCh38, 1-based): chr11:66,523,847, C>T. VCF-style: chr11-66523847-C-T. GRCh37 (hg19) VCF-style: chr11-66291318-C-T.
Other names: c.*22-2381G>A (NM_001348571.2); short protein forms R359C.
Identifiers: ClinVar variation 2072095 (VCV002072095.1), dbSNP rs759882869, ClinGen allele CA6123604.
Genomic context (GRCh38, chr11:66,523,847, plus strand): 5'-CATTCCCGGGGCCTGCAGGCCGTCATGGCTGGGCTGGCCAATGGAGAGGTCCGCATTTAT[C>T]GTGACAAGGCCCTGCTCAATGTCATCCACACCCCGGTGAGCCCCATCTCCGGCATCTGCC-3'
Protein context (NP_078925.3, residues 349-369): GLANGEVRIY[Arg359Cys]DKALLNVIHT